The following is an entry in ClinVar:

NM_001170629.2(CHD8):c.7681T>A (p.Phe2561Ile)

Gene: CHD8 (chromodomain helicase DNA binding protein 8; minus strand). Cytogenetic location: 14q11.2.
Variant type: single nucleotide variant.
Coding change: c.7681T>A on transcript NM_001170629.2 (MANE Select); coding-DNA position 7681, T replaced by A.
Protein change: p.Phe2561Ile; replaces phenylalanine 2561 with isoleucine.
Molecular consequence: missense variant.
Genome position (GRCh38, 1-based): chr14:21,385,678, A>T on the plus strand (T>A on the coding strand, the complement: CHD8 is on the minus strand). VCF-style: chr14-21385678-A-T. GRCh37 (hg19) VCF-style: chr14-21853837-A-T.
Other names: c.6844T>A, p.Phe2282Ile (NM_020920.4); short protein forms F2282I, F2561I.
Identifiers: ClinVar variation 3899718 (VCV003899718.1).

ClinVar aggregate classification (germline): Uncertain significance (1 of 4 stars; one submission).

Submission:

GeneDx
Classification: Uncertain significance. Last evaluated: 2024-11-13. Review status: criteria provided, single submitter. Criteria: GeneDx Variant Classification Process June 2021. Collection method: clinical testing. Allele origin: germline. Affected: yes.
Comment: Not observed at significant frequency in large population cohorts (gnomAD); In silico analysis indicates that this missense variant does not alter protein structure/function; Has not been previously published as pathogenic or benign to our knowledge